The following is an entry in ClinVar:

NM_004999.4(MYO6):c.3570dup (p.Gly1191fs)

Gene: MYO6 (myosin VI; plus strand). Cytogenetic location: 6q14.1.
Variant type: Duplication.
Coding change: c.3570dup on transcript NM_004999.4 (MANE Select); coding-DNA position 3570, one base duplicated (A; older notation c.3570dupA).
Protein change: p.Gly1191fs; shifts the reading frame from glycine 1191.
Molecular consequence: frameshift variant. On other transcripts: non-coding transcript variant (1).
Genome position (GRCh38, 1-based): chr6:75,914,193, A duplicated; the last of 6 consecutive A bases (chr6:75,914,188-75,914,193); duplicating any one gives the same sequence. VCF-style (leftmost placement, unchanged base first): chr6-75914187-G-GA. GRCh37 (hg19) VCF-style: chr6-76623904-G-GA.
Other names: c.3501dup, p.Gly1168fs (NM_001300899.2); c.3474dup, p.Gly1159fs (NM_001368136.1); c.3531dup, p.Gly1178fs (NM_001368137.1); c.3486dup, p.Gly1163fs (NM_001368138.1); c.3597dup, p.Gly1200fs (NM_001368865.1); c.3570dup, p.Gly1191fs (NM_001368866.1); short protein forms G1159fs, G1163fs, G1168fs, G1178fs, G1191fs, G1200fs.
Identifiers: ClinVar variation 3624206 (VCV003624206.2).

ClinVar aggregate classification (germline): Pathogenic (1 of 4 stars; one submission).

Submission:

Labcorp Genetics (formerly Invitae), Labcorp
Classification: Pathogenic. Last evaluated: 2024-02-15. Review status: criteria provided, single submitter. Criteria: Invitae Variant Classification Sherloc (09022015). Collection method: clinical testing. Allele origin: germline.
Comment: This sequence change creates a premature translational stop signal (p.Gly1191Argfs*8) in the MYO6 gene. It is expected to result in an absent or disrupted protein product. Loss-of-function variants in MYO6 are known to be pathogenic (PMID: 12687499, 18348273, 23767834, 25999546, 30582396). This variant is not present in population databases (gnomAD no frequency). This variant has not been reported in the literature in individuals affected with MYO6-related conditions. For these reasons, this variant has been classified as Pathogenic.

Literature cited by the submitters: PubMed 12687499; PubMed 18348273; PubMed 23767834; PubMed 25999546; PubMed 30582396.